The following is an entry in ClinVar:

ClinVar aggregate classification (germline): Pathogenic (1 of 4 stars; one submission).

Submission:

GeneDx
Classification: Pathogenic. Last evaluated: 2022-07-15. Review status: criteria provided, single submitter. Criteria: GeneDx Variant Classification Process June 2021. Collection method: clinical testing. Allele origin: germline. Affected: yes.
Comment: Not observed at significant frequency in large population cohorts (gnomAD); In silico analysis supports that this missense variant has a deleterious effect on protein structure/function; This variant is associated with the following publications: (PMID: 33268356)

NM_005324.5(H3-3B):c.31T>C (p.Ser11Pro)

Gene: H3-3B (H3.3 histone B; minus strand). Cytogenetic location: 17q25.1.
Variant type: single nucleotide variant.
Coding change: c.31T>C on transcript NM_005324.5 (MANE Select); coding-DNA position 31, T replaced by C.
Protein change: p.Ser11Pro; replaces serine 11 with proline.
Molecular consequence: missense variant.
Genome position (GRCh38, 1-based): chr17:75,779,144, A>G on the plus strand (T>C on the coding strand, the complement: H3-3B is on the minus strand). VCF-style: chr17-75779144-A-G. GRCh37 (hg19) VCF-style: chr17-73775225-A-G.
Other names: short protein forms S11P.
Identifiers: ClinVar variation 1696881 (VCV001696881.2), dbSNP rs2143631409, ClinGen allele CA401118801.